The following is an entry in ClinVar:

ClinVar aggregate classification (germline): Uncertain significance (1 of 4 stars; one submission).

Submission:

GeneDx
Classification: Uncertain significance. Last evaluated: 2023-10-06. Review status: criteria provided, single submitter. Criteria: GeneDx Variant Classification Process June 2021. Collection method: clinical testing. Allele origin: germline. Affected: yes.
Comment: Not observed in large population cohorts (gnomAD); In silico analysis supports that this missense variant does not alter protein structure/function; Has not been previously published as pathogenic or benign to our knowledge

NM_001379200.1(TBX1):c.1018C>T (p.Pro340Ser)

Gene: TBX1 (T-box transcription factor 1; plus strand). Cytogenetic location: 22q11.21.
Variant type: single nucleotide variant.
Coding change: c.1018C>T on transcript NM_001379200.1 (MANE Select); coding-DNA position 1018, C replaced by T.
Protein change: p.Pro340Ser; replaces proline 340 with serine.
Molecular consequence: missense variant.
Genome position (GRCh38, 1-based): chr22:19,765,984, C>T. VCF-style: chr22-19765984-C-T. GRCh37 (hg19) VCF-style: chr22-19753507-C-T.
Other names: c.991C>T, p.Pro331Ser (NM_005992.1, NM_080646.2, NM_080647.1); short protein forms P331S, P340S.
Identifiers: ClinVar variation 3340849 (VCV003340849.1).
Genomic context (GRCh38, chr22:19,765,984, plus strand): 5'-GCACTGCCGCTCATGAGCGCCTTCGCGCGCTCGCGGAACCCCGTGGCTTCCCCGACGCAG[C>T]CCAGCGGCACGGAGAAAGGTAGGGCCGGGGTCGTGGGATCCGGGTTCCGGCCCTGTGCGC-3'
Protein context (NP_001366129.1, residues 330-350): SRNPVASPTQ[Pro340Ser]SGTEKDAAEA